The following is an entry in ClinVar:

ClinVar aggregate classification (germline): Uncertain significance (1 of 4 stars; one submission).

Conditions:
Wilms tumor 1 (WT1). Also called: Wilms tumor, somatic. Identifiers: Orphanet 654, MedGen CN033288, MONDO:0008679, OMIM 194070.

Submission:

Labcorp Genetics (formerly Invitae), Labcorp
Classification: Uncertain significance for Wilms tumor 1. Last evaluated: 2024-03-04. Review status: criteria provided, single submitter. Criteria: Invitae Variant Classification Sherloc (09022015). Collection method: clinical testing. Allele origin: germline.
Comment: This sequence change replaces valine, which is neutral and non-polar, with leucine, which is neutral and non-polar, at codon 307 of the GPC3 protein (p.Val307Leu). This variant is not present in population databases (gnomAD no frequency). This variant has not been reported in the literature in individuals affected with GPC3-related conditions. Advanced modeling of protein sequence and biophysical properties (such as structural, functional, and spatial information, amino acid conservation, physicochemical variation, residue mobility, and thermodynamic stability) performed at Invitae indicates that this missense variant is not expected to disrupt GPC3 protein function with a negative predictive value of 80%. In summary, the available evidence is currently insufficient to determine the role of this variant in disease. Therefore, it has been classified as a Variant of Uncertain Significance.

NM_004484.4(GPC3):c.919G>T (p.Val307Leu)

Gene: GPC3 (glypican 3; minus strand). Cytogenetic location: Xq26.2.
Variant type: single nucleotide variant.
Coding change: c.919G>T on transcript NM_004484.4 (MANE Select); coding-DNA position 919, G replaced by T.
Protein change: p.Val307Leu; replaces valine 307 with leucine.
Molecular consequence: missense variant.
Genome position (GRCh38, 1-based): chrX:133,753,595, C>A on the plus strand (G>T on the coding strand, the complement: GPC3 is on the minus strand). VCF-style: chrX-133753595-C-A. GRCh37 (hg19) VCF-style: chrX-132887622-C-A.
Other names: c.919G>T, p.Val307Leu (NM_001164617.2); c.871G>T, p.Val291Leu (NM_001164618.2); c.757G>T, p.Val253Leu (NM_001164619.2); short protein forms V253L, V291L, V307L.
Identifiers: ClinVar variation 2709354 (VCV002709354.3), dbSNP rs780001214, ClinGen allele CA414705257.